The following is an entry in ClinVar:

NM_000257.4(MYH7):c.2555T>C (p.Met852Thr)

Genes: MYH7 (myosin heavy chain 7; minus strand), LOC126861898 (BRD4-independent group 4 enhancer GRCh37_chr14:23893609-23894808; plus strand). Cytogenetic location: 14q11.2.
Variant type: single nucleotide variant.
Coding change: c.2555T>C on transcript NM_000257.4 (MANE Select); coding-DNA position 2555, T replaced by C.
Protein change: p.Met852Thr; replaces methionine 852 with threonine.
Molecular consequence: missense variant.
Genome position (GRCh38, 1-based): chr14:23,424,893, A>G on the plus strand (T>C on the coding strand, the complement: MYH7 is on the minus strand). VCF-style: chr14-23424893-A-G. GRCh37 (hg19) VCF-style: chr14-23894102-A-G.
Other names: short protein forms M852T.
Identifiers: ClinVar variation 42916 (VCV000042916.20), dbSNP rs397516157, ClinGen allele CA012623.

ClinVar aggregate classification (germline): Pathogenic/Likely pathogenic. Review status: criteria provided, multiple submitters, no conflicts (2 of 4 stars). 7 submissions from 7 submitters: Pathogenic (2); Likely pathogenic (5). Last evaluated 2025-02-06.

Conditions:
Cardiovascular phenotype. Identifiers: MedGen CN230736.
Hypertrophic cardiomyopathy 1 (CMH1). Also called: MYH7-Related Familial Hypertrophic Cardiomyopathy; Familial hypertrophic cardiomyopathy 1. Identifiers: MedGen C3495498, MONDO:0008647, OMIM 192600.
Hypertrophic cardiomyopathy. Also called: HYPERTROPHIC MYOCARDIOPATHY. Identifiers: Orphanet 217569, MedGen C0007194, MeSH D002312, MONDO:0005045, HP:0001639.

Allele frequency attached by ClinVar (database versions not stated): TOPMed below 0.00001; gnomAD 0.00001.

Submissions (7):

Labcorp Genetics (formerly Invitae), Labcorp
Classification: Pathogenic for Hypertrophic cardiomyopathy. Last evaluated: 2025-02-06. Review status: criteria provided, single submitter. Criteria: Invitae Variant Classification Sherloc (09022015). Collection method: clinical testing. Allele origin: germline.
Comment: This sequence change replaces methionine, which is neutral and non-polar, with threonine, which is neutral and polar, at codon 852 of the MYH7 protein (p.Met852Thr). This variant is present in population databases (rs397516157, gnomAD no frequency). This missense change has been observed in individuals with hypertrophic cardiomyopathy and familial left ventricular hypertrophy (PMID: 12707239, 18403758, 24093860, 27247418). ClinVar contains an entry for this variant (Variation ID: 42916). Invitae Evidence Modeling of protein sequence and biophysical properties (such as structural, functional, and spatial information, amino acid conservation, physicochemical variation, residue mobility, and thermodynamic stability) indicates that this missense variant is expected to disrupt MYH7 protein function with a positive predictive value of 95%. This variant is found within a region of MYH7 between codons 181 and 937 that contains the majority of the myosin head domain. Missense variants in this region have been shown to be significantly overrepresented in individuals with hypertrophic cardiomyopathy (PMID: 27532257). For these reasons, this variant has been classified as Pathogenic.

Molecular Diagnostic Laboratory for Inherited Cardiovascular Disease, Montreal Heart Institute
Classification: Likely pathogenic for Cardiovascular phenotype. Last evaluated: 2025-01-21. Review status: criteria provided, single submitter. Criteria: ACMG Guidelines, 2015. Collection method: clinical testing. Allele origin: germline. Affected: yes.
Comment: PM1;PM2;PM5;PP3;PS4_supp

Ambry Genetics
Classification: Likely pathogenic for Cardiovascular phenotype. Last evaluated: 2024-04-11. Review status: criteria provided, single submitter. Criteria: Ambry Variant Classification Scheme 2023. Collection method: clinical testing. Allele origin: germline.
Comment: The p.M852T variant (also known as c.2555T>C), located in coding exon 20 of the MYH7 gene, results from a T to C substitution at nucleotide position 2555. The methionine at codon 852 is replaced by threonine, an amino acid with similar properties, and is located in the head domain. This alteration has been detected in multiple individuals with hypertrophic cardiomyopathy (HCM) and was reported to segregate with disease in one small family (Richard P et al. Circulation, 2003 May;107:2227-32; Morita H et al. N. Engl. J. Med., 2008 May;358:1899-908; Marsiglia JD et al. Am. Heart J., 2013 Oct;166:775-82; Walsh R et al. Genet. Med., 2017 02;19:192-203; external communication). This alteration is located in the myosin head domain, which contains a statistically significant clustering of pathogenic missense variants (Homburger JR et al. Proc Natl Acad Sci U S A, 2016 06;113:6701-6; Walsh R et al. Genet Med, 2017 02;19:192-203; Ambry internal data). This amino acid position is highly conserved in available vertebrate species. In addition, this alteration is predicted to be deleterious by in silico analysis. Based on the majority of available evidence to date, this variant is likely to be pathogenic.

3billion
Classification: Pathogenic for Hypertrophic cardiomyopathy 1. Last evaluated: 2024-01-25. Review status: criteria provided, single submitter. Criteria: ACMG Guidelines, 2015. Collection method: clinical testing. Allele origin: germline. Affected: yes.
Comment: The variant is observed at an extremely low frequency in the gnomAD v2.1.1 dataset (total allele frequency: 0.003%). Predicted Consequence/Location: The variant is located in a mutational hot spot and/or well-established functional domain in which established pathogenic variants have been reported (PMID: 29300372). In silico tool predictions suggest damaging effect of the variant on gene or gene product [REVEL: 0.95 (>=0.6, sensitivity 0.68 and specificity 0.92); 3Cnet: 0.98 (>=0.6, sensitivity 0.72 and precision 0.9)]. Same nucleotide change resulting in same amino acid change has been previously reported as pathogenic/likely pathogenic with strong evidence (ClinVar ID: VCV000042916 /PMID: 12707239 /3billion dataset). Different missense changes at the same codon (p.Met852Arg, p.Met852Ile, p.Met852Lys) have been reported as pathogenic/likely pathogenic with strong evidence (ClinVar ID: VCV000181375, VCV000454357, VCV000567905). Therefore, this variant is classified as Pathogenic according to the recommendation of ACMG/AMP guideline.

Revvity Omics, Revvity
Classification: Likely pathogenic. Last evaluated: 2023-09-14. Review status: criteria provided, single submitter. Criteria: ACMG Guidelines, 2015. Collection method: clinical testing. Allele origin: germline.

Laboratory for Molecular Medicine, Mass General Brigham Personalized Medicine
Classification: Likely pathogenic for Hypertrophic cardiomyopathy. Last evaluated: 2019-01-31. Review status: criteria provided, single submitter. Criteria: LMM Criteria. Collection method: clinical testing. Allele origin: germline. Inheritance: Autosomal dominant inheritance. Observed: 1 variant allele.
Comment: The p.Met852Thr variant in MYH7 has been reported in 5 individuals with HCM (Richard 2003, Morita 2008, Marsiglia 2013, Walsh 2016, LMM unpublished data). This variant has also been identified in 1/15420 European chromosomes by the Genome Aggregation Database (gnomAD; dbSNP rs397516157). Methionine (Met) at position 852 is highly conserved in mammals and across evolutionarily distant species and the change to threonine (Thr) was predicted to be pathogenic using a computational tool clinically validated by our laboratory. This tool's pathogenic prediction is estimated to be correct 94% of the time (Jordan 2011). Additionally, this variant lies in the head region of the protein. Missense variants in this region have been reported and statistically indicated to be more likely to cause disease (Walsh 2016). In summary, although additional studies are required to fully establish its clinical significance, the p.Met852Thr variant is likely pathogenic. ACMG/AMP Criteria applied: PM1; PM2; PP3; PS4_Supporting.

Laboratory of Genetics and Molecular Cardiology, University of São Paulo
Classification: Likely pathogenic for Hypertrophic cardiomyopathy 1. Review status: criteria provided, single submitter. Criteria: LGCM Criteria August 2015. Collection method: clinical testing. Allele origin: germline. Inheritance: Autosomal dominant inheritance. Affected: yes. Observed: 1 variant allele. Study: Sarcomeric Human Cardiomyopathy Registry (ShaRe).

Literature cited by the submitters: PubMed 12707239 (cited by 5 submitters); PubMed 18403758 (cited by 3 submitters); PubMed 24093860 (cited by 3 submitters); PubMed 27247418 (cited by Labcorp Genetics (formerly Invitae), Labcorp and Ambry Genetics); PubMed 27532257 (cited by 3 submitters); PubMed 20439259 (cited by Ambry Genetics); PubMed 35176171 (cited by Ambry Genetics); PubMed 37477868 (cited by Ambry Genetics).